The following is an entry in ClinVar:

NM_015041.3(CLUAP1):c.463T>C (p.Tyr155His)

Gene: CLUAP1 (clusterin associated protein 1; plus strand). Cytogenetic location: 16p13.3.
Variant type: single nucleotide variant.
Coding change: c.463T>C on transcript NM_015041.3 (MANE Select); coding-DNA position 463, T replaced by C.
Protein change: p.Tyr155His; replaces tyrosine 155 with histidine.
Molecular consequence: missense variant. On other transcripts: intron variant (1).
Genome position (GRCh38, 1-based): chr16:3,512,446, T>C. VCF-style: chr16-3512446-T-C. GRCh37 (hg19) VCF-style: chr16-3562446-T-C.
Other names: c.463T>C, p.Tyr155His (NM_001330454.2); c.-4+2477T>C (NM_024793.3); short protein forms Y155H.
Identifiers: ClinVar variation 1055403 (VCV001055403.9), dbSNP rs2151049594, ClinGen allele CA394512799.

ClinVar aggregate classification (germline): Uncertain significance (1 of 4 stars; one submission).

Submission:

Labcorp Genetics (formerly Invitae), Labcorp
Classification: Uncertain significance. Last evaluated: 2025-04-03. Review status: criteria provided, single submitter. Criteria: Invitae Variant Classification Sherloc (09022015). Collection method: clinical testing. Allele origin: germline.
Comment: This sequence change replaces tyrosine, which is neutral and polar, with histidine, which is basic and polar, at codon 155 of the CLUAP1 protein (p.Tyr155His). This variant is not present in population databases (gnomAD no frequency). This variant has not been reported in the literature in individuals affected with CLUAP1-related conditions. ClinVar contains an entry for this variant (Variation ID: 1055403). Invitae Evidence Modeling of protein sequence and biophysical properties (such as structural, functional, and spatial information, amino acid conservation, physicochemical variation, residue mobility, and thermodynamic stability) indicates that this missense variant is not expected to disrupt CLUAP1 protein function with a negative predictive value of 80%. In summary, the available evidence is currently insufficient to determine the role of this variant in disease. Therefore, it has been classified as a Variant of Uncertain Significance.